The following is an entry in ClinVar:

NM_201548.5(CERKL):c.820+1G>T

Gene: CERKL (CERK like autophagy regulator; minus strand). Cytogenetic location: 2q31.3.
Variant type: single nucleotide variant.
Coding change: c.820+1G>T on transcript NM_201548.5 (MANE Select); the canonical splice donor site of the intron after coding-DNA position 820, G replaced by T.
Molecular consequence: splice donor variant. On other transcripts: intron variant (2).
Genome position (GRCh38, 1-based): chr2:181,558,565, C>A on the plus strand (G>T on the coding strand, the complement: CERKL is on the minus strand). VCF-style: chr2-181558565-C-A. GRCh37 (hg19) VCF-style: chr2-182423292-C-A.
Other names: c.482-8857G>T (NM_001030312.3); c.766+1G>T (NM_001160277.2); c.614-8857G>T (NM_001030313.3); c.898+1G>T (NM_001030311.3).
Identifiers: ClinVar variation 3775755 (VCV003775755.1).

ClinVar aggregate classification (germline): Likely pathogenic (1 of 4 stars; one submission).

Conditions:
Retinitis pigmentosa 26 (RP26). Identifiers: Orphanet 791, MedGen C1842127, MONDO:0012024, OMIM 608380.

gnomAD v4.1: 2 of 1,613,270 alleles (0.00012%); highest among the groups gnomAD compares: South Asian, 0.0022%; no homozygotes.

Submission:

3billion
Classification: Likely pathogenic for Retinitis pigmentosa 26. Last evaluated: 2023-06-11. Review status: criteria provided, single submitter. Criteria: ACMG Guidelines, 2015. Collection method: clinical testing. Allele origin: germline. Affected: yes.
Comment: The variant is observed at an extremely low frequency in the gnomAD v2.1.1 dataset (total allele frequency: <0.001%). Predicted Consequence/Location: Canonical splice site: predicted to alter splicing and result in a loss or disruption of normal protein function. Multiple pathogenic loss-of-function variants are reported downstream of the variant. Therefore, this variant is classified as Likely pathogenic according to the recommendation of ACMG/AMP guideline.